The following is an entry in ClinVar:

NM_005422.4(TECTA):c.3293C>T (p.Ala1098Val)

Genes: TBCEL-TECTA (TBCEL-TECTA readthrough; plus strand), TECTA (tectorin alpha; plus strand). Cytogenetic location: 11q23.3.
Variant type: single nucleotide variant.
Coding change: c.3293C>T on transcript NM_005422.4 (MANE Select); coding-DNA position 3293, C replaced by T.
Protein change: p.Ala1098Val; replaces alanine 1098 with valine.
Molecular consequence: missense variant.
Genome position (GRCh38, 1-based): chr11:121,137,772, C>T. VCF-style: chr11-121137772-C-T. GRCh37 (hg19) VCF-style: chr11-121008481-C-T.
Other names: c.4250C>T, p.Ala1417Val (NM_001378761.1); short protein forms A1098V, A1417V.
Identifiers: ClinVar variation 1048876 (VCV001048876.1), dbSNP rs761524812, ClinGen allele CA6327185.

ClinVar aggregate classification (germline): Uncertain significance (0 of 4 stars; one submission).

Allele frequency attached by ClinVar (database versions not stated): gnomAD exomes 0.00001; TOPMed 0.00001; ExAC 0.00001.

Submission:

Department of Pathology and Laboratory Medicine, Sinai Health System
Classification: Uncertain significance. Review status: no assertion criteria provided. Collection method: clinical testing. Allele origin: unknown. Affected: yes. Study: The Canadian Open Genetics Repository (COGR).
Comment: The variant was identified in dbSNP (ID: rs761524812) but was not identified in ClinVar. The variant was identified in control databases in 3 of 251290 chromosomes at a frequency of 0.00001194 (Genome Aggregation Database March 6, 2019, v2.1.1). The variant was observed in the following populations: South Asian in 1 of 30614 chromosomes (freq: 0.000033) and European (non-Finnish) in 2 of 113612 chromosomes (freq: 0.000018), but was not observed in the African, Latino, Ashkenazi Jewish, East Asian, European (Finnish), or Other populations. The p.Ala1098 residue is conserved across mammals and other organisms, and four out of five computational analyses (PolyPhen-2, SIFT, AlignGVGD, BLOSUM, MutationTaster) suggest that the variant may impact the protein; however, this information is not predictive enough to assume pathogenicity. The variant occurs outside of the splicing consensus sequence and three of four in silico or computational prediction software programs (SpliceSiteFinder, MaxEntScan, NNSPLICE, GeneSplicer) do not predict a greater than 10% difference in splicing; this is not very predictive of pathogenicity. In summary, based on the above information the clinical significance of this variant cannot be determined with certainty at this time. This variant is classified as a variant of uncertain significance.